The following is an entry in ClinVar:

NM_002485.5(NBN):c.420A>G (p.Val140=)

Gene: NBN (nibrin; minus strand). Cytogenetic location: 8q21.3.
Variant type: single nucleotide variant.
Coding change: c.420A>G on transcript NM_002485.5 (MANE Select); coding-DNA position 420, A replaced by G.
Protein change: p.Val140=; no amino-acid change (valine 140 retained).
Molecular consequence: synonymous variant.
Genome position (GRCh38, 1-based): chr8:89,980,794, T>C on the plus strand (A>G on the coding strand, the complement: NBN is on the minus strand). VCF-style: chr8-89980794-T-C. GRCh37 (hg19) VCF-style: chr8-90993022-T-C.
Other names: c.174A>G, p.Val58= (NM_001024688.3).
Identifiers: ClinVar variation 186755 (VCV000186755.17), dbSNP rs767296279, ClinGen allele CA195776.

ClinVar aggregate classification (germline): Likely benign. Review status: criteria provided, multiple submitters, no conflicts (2 of 4 stars). 4 submissions from 4 submitters: Likely benign (4). Last evaluated 2024-10-30.

Conditions:
Hereditary cancer-predisposing syndrome. Also called: Hereditary Cancer Syndrome; Neoplastic Syndromes, Hereditary; Tumor predisposition; Hereditary neoplastic syndrome. Identifiers: Orphanet 140162, MedGen C0027672, MeSH D009386, MONDO:0015356.
Microcephaly, normal intelligence and immunodeficiency (NBS). Also called: IMMUNODEFICIENCY, MICROCEPHALY, AND CHROMOSOMAL INSTABILITY; SEEMANOVA SYNDROME II; Immunodeficiency, microcephaly with normal intelligence; Ataxia telangiectasia variant V1; Nijmegen breakage syndrome; Microcephaly with normal intelligence immunodeficiency and lymphoreticular malignancies. Identifiers: Orphanet 647, MedGen C0398791, MONDO:0009623, OMIM 251260.

Allele frequency attached by ClinVar (database versions not stated): gnomAD exomes below 0.00001; TOPMed below 0.00001; ExAC 0.00001; gnomAD 0.00001.
gnomAD v4.1: 3 of 1,613,492 alleles (0.00019%); highest among the groups gnomAD compares: Non-Finnish European, 0.00025%; no homozygotes.

Submissions (4):

Labcorp Genetics (formerly Invitae), Labcorp
Classification: Likely benign for Microcephaly, normal intelligence and immunodeficiency. Last evaluated: 2024-10-30. Review status: criteria provided, single submitter. Criteria: Invitae Variant Classification Sherloc (09022015). Collection method: clinical testing. Allele origin: germline.

Sema4
Classification: Likely benign for Hereditary cancer-predisposing syndrome. Last evaluated: 2021-09-09. Review status: criteria provided, single submitter. Criteria: Sema4 Curation Guidelines. Collection method: curation. Allele origin: germline.

GeneDx
Classification: Likely benign. Last evaluated: 2020-09-09. Review status: criteria provided, single submitter. Criteria: GeneDx Variant Classification Process June 2021. Collection method: clinical testing. Allele origin: germline. Affected: yes.
Comment: Not observed at a significant frequency in large population cohorts (Lek et al., 2016)

Ambry Genetics
Classification: Likely benign for Hereditary cancer-predisposing syndrome. Last evaluated: 2014-10-24. Review status: criteria provided, single submitter. Criteria: Ambry Variant Classification Scheme 2023. Collection method: clinical testing. Allele origin: germline.